The following is an entry in ClinVar:

ClinVar aggregate classification (germline): Pathogenic. Review status: criteria provided, multiple submitters, no conflicts (2 of 4 stars). 4 submissions from 4 submitters: Pathogenic (4). Last evaluated 2025-11-09.

Conditions:
Hereditary cancer-predisposing syndrome. Also called: Hereditary neoplastic syndrome; Neoplastic Syndromes, Hereditary; Tumor predisposition; Hereditary Cancer Syndrome. Identifiers: Orphanet 140162, MedGen C0027672, MeSH D009386, MONDO:0015356.
Familial cancer of breast. Also called: BREAST CANCER, FAMILIAL; Hereditary breast cancer; hereditary breast carcinoma. Identifiers: Orphanet 227535, MedGen C0346153, MONDO:0016419, OMIM 114480. Disease mechanism: loss of function.
Ataxia-telangiectasia syndrome (AT). Also called: LOUIS-BAR SYNDROME; Cerebello-oculocutaneous telangiectasia; Immunodeficiency with ataxia telangiectasia; AT, COMPLEMENTATION GROUP C; Ataxia-telangiectasia, complementation group D; ATAXIA-TELANGIECTASIA, COMPLEMENTATION GROUP A. Identifiers: Orphanet 100, MedGen C0004135, MONDO:0008840, OMIM 208900.

Submissions (4):

Labcorp Genetics (formerly Invitae), Labcorp
Classification: Pathogenic for Ataxia-telangiectasia syndrome. Last evaluated: 2025-11-09. Review status: criteria provided, single submitter. Criteria: Invitae Variant Classification Sherloc (09022015). Collection method: clinical testing. Allele origin: germline.
Comment: This sequence change creates a premature translational stop signal (p.Ser917Phefs*3) in the ATM gene. It is expected to result in an absent or disrupted protein product. Loss-of-function variants in ATM are known to be pathogenic (PMID: 23807571, 25614872). This variant is not present in population databases (gnomAD no frequency). This variant has not been reported in the literature in individuals affected with ATM-related conditions. ClinVar contains an entry for this variant (Variation ID: 481264). Algorithms developed to predict the effect of sequence changes on RNA splicing suggest that this variant may create or strengthen a splice site. For these reasons, this variant has been classified as Pathogenic.

Ambry Genetics
Classification: Pathogenic for Hereditary cancer-predisposing syndrome. Last evaluated: 2025-01-16. Review status: criteria provided, single submitter. Criteria: Ambry Variant Classification Scheme 2023. Collection method: clinical testing. Allele origin: germline.
Comment: The c.2749dupT pathogenic mutation, located in coding exon 17 of the ATM gene, results from a duplication of T at nucleotide position 2749, causing a translational frameshift with a predicted alternate stop codon (p.S917Ffs*3). This alteration is expected to result in loss of function by premature protein truncation or nonsense-mediated mRNA decay. As such, this alteration is interpreted as a disease-causing mutation.

Myriad Genetics, Inc.
Classification: Pathogenic for Familial cancer of breast. Last evaluated: 2024-01-18. Review status: criteria provided, single submitter. Criteria: Myriad Autosomal Dominant, Autosomal Recessive and X-Linked Classification Criteria (2023). Collection method: clinical testing. Allele origin: unknown.
Comment: This variant is considered pathogenic. This variant creates a frameshift predicted to result in premature protein truncation.

Color Diagnostics, LLC DBA Color Health
Classification: Pathogenic for Hereditary cancer-predisposing syndrome. Last evaluated: 2020-01-15. Review status: criteria provided, single submitter. Criteria: ACMG Guidelines, 2015. Collection method: clinical testing. Allele origin: germline.
Comment: This variant inserts 1 nucleotide in exon 18 of the ATM gene, creating a frameshift and premature translation stop signal. This variant is expected to result in an absent or non-functional protein product. This variant has not been identified in the general population by the Genome Aggregation Database (gnomAD). Loss of ATM function is a known mechanism of disease. Based on the available evidence, this variant is classified as Pathogenic.

Literature cited by the submitters: PubMed 23807571 (cited by Labcorp Genetics (formerly Invitae), Labcorp); PubMed 25614872 (cited by Labcorp Genetics (formerly Invitae), Labcorp).

NM_000051.4(ATM):c.2749dup (p.Ser917fs)

Gene: ATM (ATM serine/threonine kinase; plus strand). Cytogenetic location: 11q22.3.
Variant type: Duplication.
Coding change: c.2749dup on transcript NM_000051.4 (MANE Select); coding-DNA position 2749, one base duplicated (T; older notation c.2749dupT).
Protein change: p.Ser917fs; shifts the reading frame from serine 917.
Molecular consequence: frameshift variant.
Genome position (GRCh38, 1-based): chr11:108,268,520, T duplicated. VCF-style (leftmost placement, unchanged base first): chr11-108268519-G-GT. GRCh37 (hg19) VCF-style: chr11-108139246-G-GT.
Other names: c.2749dupT (NM_000051.3); c.2749dup, p.Ser917fs (NM_001351834.2); short protein forms S917fs.
Identifiers: ClinVar variation 481264 (VCV000481264.17), dbSNP rs1555083315, ClinGen allele CA658656142.